The following is an entry in ClinVar:

NM_001376.5(DYNC1H1):c.7896G>A (p.Leu2632=)

Gene: DYNC1H1 (dynein cytoplasmic 1 heavy chain 1; plus strand). Cytogenetic location: 14q32.31.
Variant type: single nucleotide variant.
Coding change: c.7896G>A on transcript NM_001376.5 (MANE Select); coding-DNA position 7896, G replaced by A.
Protein change: p.Leu2632=; no amino-acid change (leucine 2632 retained).
Molecular consequence: synonymous variant.
Genome position (GRCh38, 1-based): chr14:102,017,135, G>A. VCF-style: chr14-102017135-G-A. GRCh37 (hg19) VCF-style: chr14-102483472-G-A.
Identifiers: ClinVar variation 388570 (VCV000388570.20), dbSNP rs17512467, ClinGen allele CA7352904.

ClinVar aggregate classification (germline): Benign/Likely benign. Review status: criteria provided, multiple submitters, no conflicts (2 of 4 stars). 6 submissions from 6 submitters: Benign (1); Likely benign (5). Last evaluated 2026-03-11.

Conditions:
Inborn genetic diseases. Identifiers: MedGen C0950123, MeSH D030342.
Charcot-Marie-Tooth disease axonal type 2O. Also called: CHARCOT-MARIE-TOOTH NEUROPATHY, AXONAL, TYPE 2O; CHARCOT-MARIE-TOOTH DISEASE, AXONAL, AUTOSOMAL DOMINANT, TYPE 2O; Charcot-Marie-Tooth disease, axonal, type 20; Charcot-Marie-Tooth Neuropathy Type 2O. Identifiers: Orphanet 284232, MedGen C3280220, MONDO:0013644, OMIM 614228.

Allele frequency attached by ClinVar (database versions not stated): gnomAD exomes 0.00001 and 0.00004; ExAC 0.00003; gnomAD 0.00003; TOPMed 0.00003.

Submissions (6):

Women's Health and Genetics/Laboratory Corporation of America, LabCorp
Classification: Benign. Last evaluated: 2026-03-11. Review status: criteria provided, single submitter. Criteria: LabCorp Variant Classification Summary - May 2015. Collection method: clinical testing. Allele origin: germline.

CeGaT Center for Human Genetics Tuebingen
Classification: Likely benign. Last evaluated: 2026-01-01. Review status: criteria provided, single submitter. Criteria: CeGaT Center For Human Genetics Tuebingen Variant Classification Criteria Version 2. Collection method: clinical testing. Allele origin: germline. Affected: yes. Observed: 1 variant allele.
Comment: DYNC1H1: BP4, BP7

Labcorp Genetics (formerly Invitae), Labcorp
Classification: Likely benign for Charcot-Marie-Tooth disease axonal type 2O. Last evaluated: 2025-12-26. Review status: criteria provided, single submitter. Criteria: Invitae Variant Classification Sherloc (09022015). Collection method: clinical testing. Allele origin: germline.

GeneDx
Classification: Likely benign. Last evaluated: 2020-09-18. Review status: criteria provided, single submitter. Criteria: GeneDx Variant Classification Process June 2021. Collection method: clinical testing. Allele origin: germline. Affected: yes.

Athena Diagnostics
Classification: Likely benign. Last evaluated: 2020-06-18. Review status: criteria provided, single submitter. Criteria: Athena Diagnostics Criteria. Collection method: clinical testing. Allele origin: unknown.

Ambry Genetics
Classification: Likely benign for Inborn genetic diseases. Last evaluated: 2018-05-25. Review status: criteria provided, single submitter. Criteria: Ambry Variant Classification Scheme 2023. Collection method: clinical testing. Allele origin: germline.